The following is an entry in ClinVar:

ClinVar aggregate classification (germline): Uncertain significance. Review status: criteria provided, multiple submitters, no conflicts (2 of 4 stars). 2 submissions from 2 submitters: Uncertain significance (2). Last evaluated 2026-01-12.

Conditions:
Inborn genetic diseases. Identifiers: MedGen C0950123, MeSH D030342.
Autosomal dominant nonsyndromic hearing loss 1. Also called: DEAFNESS, AUTOSOMAL DOMINANT 1, WITH OR WITHOUT THROMBOCYTOPENIA; KONIGSMARK SYNDROME. Identifiers: Orphanet 90635, MedGen C1852282, MONDO:0007424, OMIM 124900.
Progressive microcephaly-seizures-cortical blindness-developmental delay syndrome. Also called: Seizures, cortical blindness, and microcephaly syndrome. Identifiers: Orphanet 477814, MedGen C5567650, MONDO:0014714, OMIM 616632.

Allele frequency attached by ClinVar (database versions not stated): TOPMed 0.00005.
gnomAD v4.1: 17 of 1,550,712 alleles (0.0011%); highest among the groups gnomAD compares: Admixed American, 0.022%; no homozygotes.

Submissions (2):

Labcorp Genetics (formerly Invitae), Labcorp
Classification: Uncertain significance for Progressive microcephaly-seizures-cortical blindness-developmental delay syndrome; Autosomal dominant nonsyndromic hearing loss 1. Last evaluated: 2026-01-12. Review status: criteria provided, single submitter. Criteria: Invitae Variant Classification Sherloc (09022015). Collection method: clinical testing. Allele origin: germline.
Comment: This sequence change replaces proline, which is neutral and non-polar, with leucine, which is neutral and non-polar, at codon 620 of the DIAPH1 protein (p.Pro620Leu). The frequency data for this variant in the population databases is considered unreliable, as metrics indicate poor data quality at this position in the gnomAD database. This variant has not been reported in the literature in individuals affected with DIAPH1-related conditions. ClinVar contains an entry for this variant (Variation ID: 666111). An algorithm developed to predict the effect of missense changes on protein structure and function outputs the following: PolyPhen-2: "Not Available". The leucine amino acid residue is found in multiple mammalian species, which suggests that this missense change does not adversely affect protein function. In summary, the available evidence is currently insufficient to determine the role of this variant in disease. Therefore, it has been classified as a Variant of Uncertain Significance.

Ambry Genetics
Classification: Uncertain significance for Inborn genetic diseases. Last evaluated: 2025-11-12. Review status: criteria provided, single submitter. Criteria: Ambry Variant Classification Scheme 2023. Collection method: clinical testing. Allele origin: germline.

NM_005219.5(DIAPH1):c.1859C>T (p.Pro620Leu)

Gene: DIAPH1 (diaphanous related formin 1; minus strand). Cytogenetic location: 5q31.3.
Variant type: single nucleotide variant.
Coding change: c.1859C>T on transcript NM_005219.5 (MANE Select); coding-DNA position 1859, C replaced by T.
Protein change: p.Pro620Leu; replaces proline 620 with leucine.
Molecular consequence: missense variant.
Genome position (GRCh38, 1-based): chr5:141,573,991, G>A on the plus strand (C>T on the coding strand, the complement: DIAPH1 is on the minus strand). VCF-style: chr5-141573991-G-A. GRCh37 (hg19) VCF-style: chr5-140953558-G-A.
Other names: c.1832C>T, p.Pro611Leu (NM_001079812.3); c.1859C>T, p.Pro620Leu (NM_001314007.2); short protein forms P611L, P620L.
Identifiers: ClinVar variation 666111 (VCV000666111.11), dbSNP rs774876990, ClinGen allele CA128437263.